The following is an entry in ClinVar:

NM_005751.5(AKAP9):c.9423C>A (p.Ser3141Arg)

Gene: AKAP9 (A-kinase anchoring protein 9; plus strand). Cytogenetic location: 7q21.2.
Variant type: single nucleotide variant.
Coding change: c.9423C>A on transcript NM_005751.5 (MANE Select); coding-DNA position 9423, C replaced by A.
Protein change: p.Ser3141Arg; replaces serine 3141 with arginine.
Molecular consequence: missense variant.
Genome position (GRCh38, 1-based): chr7:92,093,161, C>A. VCF-style: chr7-92093161-C-A. GRCh37 (hg19) VCF-style: chr7-91722475-C-A.
Other names: c.4068C>A, p.Ser1356Arg (NM_001379277.1); c.9399C>A, p.Ser3133Arg (NM_147185.3); short protein forms S1356R, S3133R, S3141R.
Identifiers: ClinVar variation 2158421 (VCV002158421.5), dbSNP rs2535288562, ClinGen allele CA368146816.
Genomic context (GRCh38, chr7:92,093,161, plus strand): 5'-CTTGGAATATAATATACAGCAGAAGCAGTCTCAAATGCTGGAGATGCAAGTGGAGCTCAG[C>A]AGTATGAAAGACAGAGCAACGGAACTGCAGGAGCAGCTGAGTTCTGAGAAAATGGTGGTT-3'
Protein context (NP_005742.4, residues 3131-3151): SQMLEMQVEL[Ser3141Arg]SMKDRATELQ

ClinVar aggregate classification (germline): Uncertain significance. Review status: criteria provided, multiple submitters, no conflicts (2 of 4 stars). 2 submissions from 2 submitters: Uncertain significance (2). Last evaluated 2023-02-09.

Conditions:
Cardiovascular phenotype. Identifiers: MedGen CN230736.
Long QT syndrome (LQTS). Identifiers: MedGen C0023976, MeSH D008133, MONDO:0002442. Disease mechanism: loss of function. Inheritance: Various modes of inheritance.

Allele frequency attached by ClinVar (database versions not stated): gnomAD exomes below 0.00001.
gnomAD v4.1: 5 of 1,614,120 alleles (0.00031%); highest among the groups gnomAD compares: Non-Finnish European, 0.00034%; no homozygotes.

Submissions (2):

Ambry Genetics
Classification: Uncertain significance for Cardiovascular phenotype. Last evaluated: 2023-02-09. Review status: criteria provided, single submitter. Criteria: Ambry Variant Classification Scheme 2023. Collection method: clinical testing. Allele origin: germline.
Comment: The p.S3141R variant (also known as c.9423C>A), located in coding exon 39 of the AKAP9 gene, results from a C to A substitution at nucleotide position 9423. The serine at codon 3141 is replaced by arginine, an amino acid with dissimilar properties. This amino acid position is conserved. In addition, this alteration is predicted to be tolerated by in silico analysis. Since supporting evidence is limited at this time, the clinical significance of this alteration remains unclear.

Labcorp Genetics (formerly Invitae), Labcorp
Classification: Uncertain significance for Long QT syndrome. Last evaluated: 2022-02-06. Review status: criteria provided, single submitter. Criteria: Invitae Variant Classification Sherloc (09022015). Collection method: clinical testing. Allele origin: germline.
Comment: In summary, the available evidence is currently insufficient to determine the role of this variant in disease. Therefore, it has been classified as a Variant of Uncertain Significance. Algorithms developed to predict the effect of missense changes on protein structure and function (SIFT, PolyPhen-2, Align-GVGD) all suggest that this variant is likely to be tolerated. This variant has not been reported in the literature in individuals affected with AKAP9-related conditions. This variant is not present in population databases (gnomAD no frequency). This sequence change replaces serine, which is neutral and polar, with arginine, which is basic and polar, at codon 3141 of the AKAP9 protein (p.Ser3141Arg).